The following is an entry in ClinVar:

NM_177531.6(PKHD1L1):c.5727A>G (p.Thr1909=)

Gene: PKHD1L1 (PKHD1 like 1; plus strand). Cytogenetic location: 8q23.1.
Variant type: single nucleotide variant.
Coding change: c.5727A>G on transcript NM_177531.6 (MANE Select); coding-DNA position 5727, A replaced by G.
Protein change: p.Thr1909=; no amino-acid change (threonine 1909 retained).
Molecular consequence: synonymous variant.
Genome position (GRCh38, 1-based): chr8:109,445,596, A>G. VCF-style: chr8-109445596-A-G. GRCh37 (hg19) VCF-style: chr8-110457825-A-G.
Identifiers: ClinVar variation 2658750 (VCV002658750.24), dbSNP rs758195898, ClinGen allele CA4845295.

ClinVar aggregate classification (germline): Likely benign (1 of 4 stars; one submission).

Allele frequency attached by ClinVar (database versions not stated): gnomAD exomes below 0.00001; ExAC 0.00001.
gnomAD v4.1: 2 of 1,610,648 alleles (0.00012%); highest among the groups gnomAD compares: Non-Finnish European, 0.00017%; no homozygotes.

Submission:

CeGaT Center for Human Genetics Tuebingen
Classification: Likely benign. Last evaluated: 2023-05-01. Review status: criteria provided, single submitter. Criteria: CeGaT Center For Human Genetics Tuebingen Variant Classification Criteria Version 2. Collection method: clinical testing. Allele origin: germline. Affected: yes. Observed: 1 variant allele.
Comment: PKHD1L1: BP4, BP7